The following is an entry in ClinVar:

NM_018060.4(IARS2):c.2980A>G (p.Thr994Ala)

Gene: IARS2 (isoleucyl-tRNA synthetase 2, mitochondrial; plus strand). Cytogenetic location: 1q41.
Variant type: single nucleotide variant.
Coding change: c.2980A>G on transcript NM_018060.4 (MANE Select); coding-DNA position 2980, A replaced by G.
Protein change: p.Thr994Ala; replaces threonine 994 with alanine.
Molecular consequence: missense variant.
Genome position (GRCh38, 1-based): chr1:220,147,576, A>G. VCF-style: chr1-220147576-A-G. GRCh37 (hg19) VCF-style: chr1-220320918-A-G.
Other names: short protein forms T994A.
Identifiers: ClinVar variation 2049577 (VCV002049577.4), dbSNP rs1657628919, ClinGen allele CA344620183.
Genomic context (GRCh38, chr1:220,147,576, plus strand): 5'-TCCTATAAAGTAATTGTCATGCCGACTACGAAAGAAAAATGCCCCCGTTGTTGGAAGTAT[A>G]CAGCGGAGTCTTCAGATACACTGTGTCCTCGATGTGCAGAAGTTGTCAGTGGAAAATAGT-3'
Protein context (NP_060530.3, residues 984-1004): KEKCPRCWKY[Thr994Ala]AESSDTLCPR

ClinVar aggregate classification (germline): Uncertain significance (1 of 4 stars; one submission).

Allele frequency attached by ClinVar (database versions not stated): TOPMed 0.00001.

Submission:

Labcorp Genetics (formerly Invitae), Labcorp
Classification: Uncertain significance. Last evaluated: 2022-05-21. Review status: criteria provided, single submitter. Criteria: Invitae Variant Classification Sherloc (09022015). Collection method: clinical testing. Allele origin: germline.
Comment: In summary, the available evidence is currently insufficient to determine the role of this variant in disease. Therefore, it has been classified as a Variant of Uncertain Significance. Algorithms developed to predict the effect of missense changes on protein structure and function (SIFT, PolyPhen-2, Align-GVGD) all suggest that this variant is likely to be tolerated. This variant has not been reported in the literature in individuals affected with IARS2-related conditions. This variant is not present in population databases (gnomAD no frequency). This sequence change replaces threonine, which is neutral and polar, with alanine, which is neutral and non-polar, at codon 994 of the IARS2 protein (p.Thr994Ala).